The following is an entry in ClinVar:

ClinVar aggregate classification (germline): Benign/Likely benign. Review status: criteria provided, multiple submitters, no conflicts (2 of 4 stars). 3 submissions from 3 submitters: Benign (1); Likely benign (2). Last evaluated 2026-05-21.

Conditions:
Neurofibromatosis, type 1 (NF1). Also called: VON RECKLINGHAUSEN DISEASE; Neurofibromatosis, type I; Peripheral type neurofibromatosis; NEUROFIBROMATOSIS, TYPE I, SOMATIC. Identifiers: Orphanet 636, MedGen C0027831, MONDO:0018975, OMIM 162200. Disease mechanism: loss of function.

Allele frequency attached by ClinVar (database versions not stated): gnomAD exomes below 0.00001 and 0.00004; ExAC 0.00001.
gnomAD v4.1: 62 of 1,608,904 alleles (0.0039%); highest among the groups gnomAD compares: Non-Finnish European, 0.0052%; no homozygotes.

Submissions (3):

Myriad Genetics, Inc.
Classification: Benign for Neurofibromatosis, type 1. Last evaluated: 2026-05-21. Review status: criteria provided, single submitter. Criteria: Myriad Autosomal Dominant, Autosomal Recessive and X-Linked Classification Criteria (2023). Collection method: clinical testing. Allele origin: unknown.
Comment: This variant is considered benign. This variant is intronic and is not expected to impact mRNA splicing.

Labcorp Genetics (formerly Invitae), Labcorp
Classification: Likely benign for Neurofibromatosis, type 1. Last evaluated: 2025-10-02. Review status: criteria provided, single submitter. Criteria: Invitae Variant Classification Sherloc (09022015). Collection method: clinical testing. Allele origin: germline.

Blueprint Genetics
Classification: Likely benign. Last evaluated: 2023-12-15. Review status: criteria provided, single submitter. Criteria: ACMG Guidelines, 2015. Collection method: clinical testing. Allele origin: germline.

NM_001042492.3(NF1):c.6642+16T>A

Gene: NF1 (neurofibromin 1; plus strand). Cytogenetic location: 17q11.2.
Variant type: single nucleotide variant.
Coding change: c.6642+16T>A on transcript NM_001042492.3 (MANE Select); 16 bases into the intron after coding-DNA position 6642, T replaced by A.
Molecular consequence: intron variant.
Genome position (GRCh38, 1-based): chr17:31,337,598, T>A. VCF-style: chr17-31337598-T-A. GRCh37 (hg19) VCF-style: chr17-29664616-T-A.
Other names: c.6579+16T>A (NM_000267.4).
Identifiers: ClinVar variation 1568431 (VCV001568431.10), dbSNP rs773123329, ClinGen allele CA8487378.